The following is an entry in ClinVar:

ClinVar aggregate classification (germline): Uncertain significance (1 of 4 stars; one submission).

Conditions:
Cryopyrin associated periodic syndrome (CAPS). Identifiers: Orphanet 208650, MedGen C2316212, MONDO:0016168.

Allele frequency attached by ClinVar (database versions not stated): gnomAD exomes 0.00001.
gnomAD v4.1: 3 of 1,614,190 alleles (0.00019%); highest among the groups gnomAD compares: Non-Finnish European, 0.00025%; no homozygotes.

Submission:

Labcorp Genetics (formerly Invitae), Labcorp
Classification: Uncertain significance for Cryopyrin associated periodic syndrome. Last evaluated: 2025-03-11. Review status: criteria provided, single submitter. Criteria: Invitae Variant Classification Sherloc (09022015). Collection method: clinical testing. Allele origin: germline.
Comment: This sequence change replaces tyrosine, which is neutral and polar, with phenylalanine, which is neutral and non-polar, at codon 533 of the NLRP3 protein (p.Tyr533Phe). This variant is not present in population databases (gnomAD no frequency). This variant has not been reported in the literature in individuals affected with NLRP3-related conditions. ClinVar contains an entry for this variant (Variation ID: 2821929). An algorithm developed to predict the effect of missense changes on protein structure and function outputs the following: PolyPhen-2: "Possibly Damaging". The phenylalanine amino acid residue is found in multiple mammalian species, which suggests that this missense change does not adversely affect protein function. In summary, the available evidence is currently insufficient to determine the role of this variant in disease. Therefore, it has been classified as a Variant of Uncertain Significance.

NM_001243133.2(NLRP3):c.1592A>T (p.Tyr531Phe)

Gene: NLRP3 (NLR family pyrin domain containing 3; plus strand). Cytogenetic location: 1q44.
Variant type: single nucleotide variant.
Coding change: c.1592A>T on transcript NM_001243133.2 (MANE Select); coding-DNA position 1592, A replaced by T.
Protein change: p.Tyr531Phe; replaces tyrosine 531 with phenylalanine.
Molecular consequence: missense variant.
Genome position (GRCh38, 1-based): chr1:247,425,041, A>T. VCF-style: chr1-247425041-A-T. GRCh37 (hg19) VCF-style: chr1-247588343-A-T.
Other names: c.1592A>T, p.Tyr531Phe (NM_183395.3, NM_001079821.3, NM_001127461.3 and 1 more transcripts); c.1598A>T, p.Tyr533Phe (NM_004895.5); short protein forms Y533F, Y531F.
Identifiers: ClinVar variation 2821929 (VCV002821929.3), dbSNP rs555684384, ClinGen allele CA40691903.